The following is an entry in ClinVar:

NM_012188.5(FOXI1):c.318C>G (p.Asp106Glu)

Gene: FOXI1 (forkhead box I1; plus strand). Cytogenetic location: 5q35.1.
Variant type: single nucleotide variant.
Coding change: c.318C>G on transcript NM_012188.5 (MANE Select); coding-DNA position 318, C replaced by G.
Protein change: p.Asp106Glu; replaces aspartic acid 106 with glutamic acid.
Molecular consequence: missense variant.
Genome position (GRCh38, 1-based): chr5:170,106,275, C>G. VCF-style: chr5-170106275-C-G. GRCh37 (hg19) VCF-style: chr5-169533279-C-G.
Other names: c.318C>G, p.Asp106Glu (NM_144769.4); short protein forms D106E.
Identifiers: ClinVar variation 352704 (VCV000352704.17), dbSNP rs114293092, ClinGen allele CA3555011.

ClinVar aggregate classification (germline): Conflicting classifications of pathogenicity. Review status: criteria provided, conflicting classifications (1 of 4 stars). 4 submissions from 4 submitters: Uncertain significance (1); Benign (2). 1 of the submissions does not count toward it. Last evaluated 2026-01-01.

Conditions:
Autosomal recessive nonsyndromic hearing loss 4 (DFNB4). Also called: NEUROSENSORY NONSYNDROMIC RECESSIVE DEAFNESS 4; Deafness, autosomal recessive 4, with enlarged vestibular aqueduct; FOXI1-Related Pendred Syndrome; KCNJ10-Related Pendred Syndrome; DEAFNESS, AUTOSOMAL RECESSIVE 4, WITH ENLARGED VESTIBULAR AQUEDUCT, DIGENIC; Deafness, autosomal recessive 4. Identifiers: Orphanet 90636, MedGen C3538946, MONDO:0010933, OMIM 600791.
FOXI1-related disorder. Also called: FOXI1-related condition.

Allele frequency attached by ClinVar (database versions not stated): gnomAD exomes 0.00027 and 0.00069; ExAC 0.00151; 1000 Genomes Project 0.00200; 1000 Genomes Project 30x 0.00219; gnomAD 0.00274 and 0.00289; ESP Exome Variant Server 0.00325; TOPMed 0.00329.
gnomAD v4.1: 822 of 1,581,650 alleles (0.052%); highest among the groups gnomAD compares: African/African-American, 0.96%; 5 homozygotes.

Submissions (4):

Labcorp Genetics (formerly Invitae), Labcorp
Classification: Benign. Last evaluated: 2026-01-01. Review status: criteria provided, single submitter. Criteria: Invitae Variant Classification Sherloc (09022015). Collection method: clinical testing. Allele origin: germline.

Blueprint Genetics
Classification: Benign. Last evaluated: 2024-11-11. Review status: criteria provided, single submitter. Criteria: ACMG Guidelines, 2015. Collection method: clinical testing. Allele origin: germline.

Illumina Laboratory Services, Illumina
Classification: Uncertain significance for Autosomal recessive nonsyndromic hearing loss 4. Last evaluated: 2018-01-13. Review status: criteria provided, single submitter. Criteria: ICSL Variant Classification Criteria 13 December 2019. Collection method: clinical testing. Allele origin: germline.

PreventionGenetics, part of Exact Sciences
Classification: Benign for FOXI1-related condition. Last evaluated: 2019-05-17. Review status: no assertion criteria provided. Collection method: clinical testing. Allele origin: germline. Not counted in ClinVar's aggregate classification.
Comment: This variant is classified as benign based on ACMG/AMP sequence variant interpretation guidelines (Richards et al. 2015 PMID: 25741868, with internal and published modifications).